The following is an entry in ClinVar:

ClinVar aggregate classification (germline): Pathogenic. Review status: criteria provided, multiple submitters, no conflicts (2 of 4 stars). 2 submissions from 2 submitters: Pathogenic (2). Last evaluated 2024-02-07.

Conditions:
Biotinidase deficiency. Also called: BTD deficiency; Late-onset biotin-responsive multiple carboxylase deficiency; Biotin deficiency. Identifiers: Orphanet 79241, MedGen C0220754, MONDO:0009665, OMIM 253260.

Submissions (2):

Genetic Services Laboratory, University of Chicago
Classification: Pathogenic. Last evaluated: 2024-02-07. Review status: criteria provided, single submitter. Criteria: ACMG Guidelines, 2015. Collection method: clinical testing. Allele origin: germline. Affected: yes.
Comment: DNA sequence analysis of the BTD gene demonstrated a sequence change, c.1330G>C in exon 4 that results in an amino acid change, p.Asp444His (NM_000060.4). The p.Asp444His change affects a moderately conserved amino acid residue located in a domain of the BTD protein that is not known to be functional. In-silico pathogenicity prediction tools (SIFT, PolyPhen2, Align GVGD, REVEL) provide contradictory results for the p.Asp444His substitution. This sequence change has previously been described in individuals with partial biotinidase deficiency when reported with a severe pathogenic variant in the same gene (PMID: 9654207). It has also been reported in the double homozygous state with another variant in the cis configuration in the same gene in an individual with biotinidase deficiency, who had undetectable biotinyl-transferase activity (PMID: 10206677). These authors also reported that this sequence change by itself was associated with a 50% decrease in biotinyl-hydrolase activity. Few functional studies have reported an evidence of an impact of this sequence change on protein function (PMID: 31337602, 29359854). Additionally, this sequence change in both homozygous and heterozygous state has been reported in individuals with >30% of wild-type levels of serum Biotinidase enzyme activity which is considered normal activity (PMID: 27329734). This sequence change has been described in the gnomAD database with an overall frequency of 3.1% (dbSNP rs13078881). These collective evidences indicate that this sequence change is pathogenic and is considered as a variant with milder impact.

Imagene.me medical diagnostic laboratory, IMAGENE.ME SA
Classification: Pathogenic for Biotinidase deficiency. Review status: criteria provided, single submitter. Criteria: IMAGENE.ME Variant Classification SOP 2022. Collection method: clinical testing. Allele origin: germline. Affected: yes.
Comment: Classified according to the IMAGENE.ME variant classification SOP based on the ACMG guidelines as Pathogenic (P): PS3 + PM1 + PM3_Supporting + PP3 + PP5 + PS4

NM_000060.4:c.1330G>C

Gene: BTD (biotinidase; plus strand).
Variant type: single nucleotide variant.
Other names: c.1330G>C (NM_000060.4).
Identifiers: ClinVar variation 4082545 (VCV004082545.3).